The following is an entry in ClinVar:

ClinVar aggregate classification (germline): Uncertain significance (1 of 4 stars; one submission).

Conditions:
Primary ciliary dyskinesia. Also called: Ciliary dyskinesia. Identifiers: Orphanet 244, MedGen C0008780, MONDO:0016575, HP:0012265.

Submission:

Labcorp Genetics (formerly Invitae), Labcorp
Classification: Uncertain significance for Primary ciliary dyskinesia. Last evaluated: 2022-05-07. Review status: criteria provided, single submitter. Criteria: Invitae Variant Classification Sherloc (09022015). Collection method: clinical testing. Allele origin: germline.
Comment: This sequence change replaces lysine, which is basic and polar, with methionine, which is neutral and non-polar, at codon 199 of the RSPH9 protein (p.Lys199Met). This variant is not present in population databases (gnomAD no frequency). This variant has not been reported in the literature in individuals affected with RSPH9-related conditions. Algorithms developed to predict the effect of missense changes on protein structure and function are either unavailable or do not agree on the potential impact of this missense change (SIFT: "Tolerated"; PolyPhen-2: "Possibly Damaging"; Align-GVGD: "Class C0"). In summary, the available evidence is currently insufficient to determine the role of this variant in disease. Therefore, it has been classified as a Variant of Uncertain Significance.

NM_152732.5(RSPH9):c.596A>T (p.Lys199Met)

Gene: RSPH9 (radial spoke head component 9; plus strand). Cytogenetic location: 6p21.1.
Variant type: single nucleotide variant.
Coding change: c.596A>T on transcript NM_152732.5 (MANE Select); coding-DNA position 596, A replaced by T.
Protein change: p.Lys199Met; replaces lysine 199 with methionine.
Molecular consequence: missense variant. On other transcripts: non-coding transcript variant (2).
Genome position (GRCh38, 1-based): chr6:43,656,649, A>T. VCF-style: chr6-43656649-A-T. GRCh37 (hg19) VCF-style: chr6-43624386-A-T.
Other names: c.551A>T, p.Lys184Met (NM_001193341.2, NM_001424120.1); c.596A>T, p.Lys199Met (NM_001424119.1, NM_001424121.1); short protein forms K199M, K184M.
Identifiers: ClinVar variation 2135209 (VCV002135209.4), dbSNP rs1772075736, ClinGen allele CA364289906.
Genomic context (GRCh38, chr6:43,656,649, plus strand): 5'-CTGAGGCCAAGAAGCTCAGCTCCTACTTCCATTTCAGGGAGCCTGTTGAGCTAAAGAATA[A>T]GACCTTGCTTGAGAAGGCTGACCTGGACCCCTCCCTGGATTTCATGGACTCCTTGGAGCA-3'
Protein context (NP_689945.2, residues 189-209): HFREPVELKN[Lys199Met]TLLEKADLDP